The following is an entry in ClinVar:

NM_025243.4(SLC19A3):c.1341A>G (p.Ala447=)

Gene: SLC19A3 (solute carrier family 19 member 3; minus strand). Cytogenetic location: 2q36.3.
Variant type: single nucleotide variant.
Coding change: c.1341A>G on transcript NM_025243.4 (MANE Select); coding-DNA position 1341, A replaced by G.
Protein change: p.Ala447=; no amino-acid change (alanine 447 retained).
Molecular consequence: synonymous variant.
Genome position (GRCh38, 1-based): chr2:227,687,547, T>C on the plus strand (A>G on the coding strand, the complement: SLC19A3 is on the minus strand). VCF-style: chr2-227687547-T-C. GRCh37 (hg19) VCF-style: chr2-228552263-T-C.
Other names: c.1341A>G, p.Ala447= (NM_001371411.1, NM_001371412.1); c.1329A>G, p.Ala443= (NM_001371413.1, NM_001371414.1).
Identifiers: ClinVar variation 3033872 (VCV003033872.2), dbSNP rs1695064372, ClinGen allele CA431514212.

ClinVar aggregate classification (germline): Likely benign (0 of 4 stars; one submission).

Conditions:
SLC19A3-related disorder. Also called: SLC19A3-related condition.

Submission:

PreventionGenetics, part of Exact Sciences
Classification: Likely benign for SLC19A3-related condition. Last evaluated: 2023-10-19. Review status: no assertion criteria provided. Collection method: clinical testing. Allele origin: germline.
Comment: This variant is classified as likely benign based on ACMG/AMP sequence variant interpretation guidelines (Richards et al. 2015 PMID: 25741868, with internal and published modifications).